The following is an entry in ClinVar:

ClinVar aggregate classification (germline): Uncertain significance (1 of 4 stars; one submission).

Submission:

Labcorp Genetics (formerly Invitae), Labcorp
Classification: Uncertain significance. Last evaluated: 2024-12-02. Review status: criteria provided, single submitter. Criteria: Invitae Variant Classification Sherloc (09022015). Collection method: clinical testing. Allele origin: germline.
Comment: This sequence change replaces methionine, which is neutral and non-polar, with leucine, which is neutral and non-polar, at codon 167 of the SPARC protein (p.Met167Leu). This variant is present in population databases (no rsID available, gnomAD 0.003%). This variant has not been reported in the literature in individuals affected with SPARC-related conditions. ClinVar contains an entry for this variant (Variation ID: 2795326). Invitae Evidence Modeling of protein sequence and biophysical properties (such as structural, functional, and spatial information, amino acid conservation, physicochemical variation, residue mobility, and thermodynamic stability) indicates that this missense variant is not expected to disrupt SPARC protein function with a negative predictive value of 80%. In summary, the available evidence is currently insufficient to determine the role of this variant in disease. Therefore, it has been classified as a Variant of Uncertain Significance.

NM_003118.4(SPARC):c.499A>C (p.Met167Leu)

Gene: SPARC (secreted protein acidic and cysteine rich; minus strand). Cytogenetic location: 5q33.1.
Variant type: single nucleotide variant.
Coding change: c.499A>C on transcript NM_003118.4 (MANE Select); coding-DNA position 499, A replaced by C.
Protein change: p.Met167Leu; replaces methionine 167 with leucine.
Molecular consequence: missense variant.
Genome position (GRCh38, 1-based): chr5:151,667,553, T>G on the plus strand (A>C on the coding strand, the complement: SPARC is on the minus strand). VCF-style: chr5-151667553-T-G. GRCh37 (hg19) VCF-style: chr5-151047114-T-G.
Other names: c.496A>C, p.Met166Leu (NM_001309443.2); c.499A>C, p.Met167Leu (NM_001309444.2); short protein forms M167L, M166L.
Identifiers: ClinVar variation 2795326 (VCV002795326.3), dbSNP rs1407370019, ClinGen allele CA361832427.